The following is an entry in ClinVar:

ClinVar aggregate classification (germline): Uncertain significance. Review status: criteria provided, multiple submitters, no conflicts (2 of 4 stars). 4 submissions from 4 submitters: Uncertain significance (4). Last evaluated 2025-01-23.

Conditions:
Familial adenomatous polyposis 1 (FAP1). Also called: FAMILIAL ADENOMATOUS POLYPOSIS 1, ATTENUATED; POLYPOSIS, ADENOMATOUS INTESTINAL. Identifiers: MedGen C2713442, MONDO:0021056, OMIM 175100. Disease mechanism: loss of function.
Hereditary cancer-predisposing syndrome. Also called: Hereditary Cancer Syndrome; Tumor predisposition; Hereditary neoplastic syndrome; Neoplastic Syndromes, Hereditary. Identifiers: Orphanet 140162, MedGen C0027672, MeSH D009386, MONDO:0015356.

Allele frequency attached by ClinVar (database versions not stated): gnomAD 0.00001 and 0.00003.

Submissions (4):

Labcorp Genetics (formerly Invitae), Labcorp
Classification: Uncertain significance for Familial adenomatous polyposis 1. Last evaluated: 2025-01-23. Review status: criteria provided, single submitter. Criteria: Invitae Variant Classification Sherloc (09022015). Collection method: clinical testing. Allele origin: germline.
Comment: This sequence change replaces alanine, which is neutral and non-polar, with aspartic acid, which is acidic and polar, at codon 1892 of the APC protein (p.Ala1892Asp). This variant is present in population databases (no rsID available, gnomAD 0.007%). This variant has not been reported in the literature in individuals affected with APC-related conditions. ClinVar contains an entry for this variant (Variation ID: 646323). Invitae Evidence Modeling of protein sequence and biophysical properties (such as structural, functional, and spatial information, amino acid conservation, physicochemical variation, residue mobility, and thermodynamic stability) indicates that this missense variant is not expected to disrupt APC protein function with a negative predictive value of 95%. In summary, the available evidence is currently insufficient to determine the role of this variant in disease. Therefore, it has been classified as a Variant of Uncertain Significance.

Color Diagnostics, LLC DBA Color Health
Classification: Uncertain significance for Hereditary cancer-predisposing syndrome. Last evaluated: 2024-03-06. Review status: criteria provided, single submitter. Criteria: ACMG Guidelines, 2015. Collection method: clinical testing. Allele origin: germline.
Comment: This missense variant replaces alanine with aspartic acid at codon 1892 of the APC protein. Computational prediction suggests that this variant may not impact protein structure and function (internally defined REVEL score threshold <= 0.5, PMID: 27666373). To our knowledge, functional studies have not been reported for this variant. This variant has not been reported in individuals affected with hereditary cancer in the literature. This variant has been identified in 1/31380 chromosomes in the general population by the Genome Aggregation Database (gnomAD). The available evidence is insufficient to determine the role of this variant in disease conclusively. Therefore, this variant is classified as a Variant of Uncertain Significance.

Ambry Genetics
Classification: Uncertain significance for Hereditary cancer-predisposing syndrome. Last evaluated: 2023-09-22. Review status: criteria provided, single submitter. Criteria: Ambry Variant Classification Scheme 2023. Collection method: clinical testing. Allele origin: germline.
Comment: The p.A1892D variant (also known as c.5675C>A), located in coding exon 15 of the APC gene, results from a C to A substitution at nucleotide position 5675. The alanine at codon 1892 is replaced by aspartic acid, an amino acid with dissimilar properties. This amino acid position is well conserved in available vertebrate species. In addition, in silico predictors for this gene do not accurately predict pathogenicity. Since supporting evidence is limited at this time, the clinical significance of this alteration remains unclear.

Neuberg Centre For Genomic Medicine, NCGM
Classification: Uncertain significance for Familial adenomatous polyposis 1. Review status: criteria provided, single submitter. Criteria: ACMG Guidelines, 2015. Collection method: clinical testing. Allele origin: germline. Inheritance: Autosomal dominant inheritance. Affected: yes.
Comment: The missense variant p.A1892D in APC (NM_000038.6) has not been reported previously as a pathogenic variant nor as a benign variant, to our knowledge. The p.A1892D variant is novel (not in any individuals) in gnomAD Exomes and is novel (not in any individuals) in 1000 Genomes. This variant has not been reported in the literature in individuals with APC-related disease. Algorithms developed to predict the effect of missense changes on protein structure and function (SIFT, PolyPhen-2, AlignGVGD) all suggest that this variant is likely to be tolerated, but these predictions have not been confirmed by published functional studies and their clinical significance is uncertain. For these reasons, this variant has been classified as Uncertain Significance.

NM_000038.6(APC):c.5675C>A (p.Ala1892Asp)

Gene: APC (APC regulator of Wnt signaling pathway; plus strand). Cytogenetic location: 5q22.2.
Variant type: single nucleotide variant.
Coding change: c.5675C>A on transcript NM_000038.6 (MANE Select); coding-DNA position 5675, C replaced by A.
Protein change: p.Ala1892Asp; replaces alanine 1892 with aspartic acid.
Molecular consequence: missense variant.
Genome position (GRCh38, 1-based): chr5:112,841,269, C>A. VCF-style: chr5-112841269-C-A. GRCh37 (hg19) VCF-style: chr5-112176966-C-A.
Other names: c.5675C>A, p.Ala1892Asp (NM_001127510.3, NM_001354895.2); c.5621C>A, p.Ala1874Asp (NM_001127511.3); c.5729C>A, p.Ala1910Asp (NM_001354896.2); c.5705C>A, p.Ala1902Asp (NM_001354897.2); c.5600C>A, p.Ala1867Asp (NM_001354898.2); c.5591C>A, p.Ala1864Asp (NM_001354899.2); c.5552C>A, p.Ala1851Asp (NM_001354900.2); c.5498C>A, p.Ala1833Asp (NM_001354901.2); and 5 more; short protein forms A1801D, A1864D, A1892D, A1791D, A1867D, A1910D, A1833D, A1851D.
Identifiers: ClinVar variation 646323 (VCV000646323.17), dbSNP rs759914956, ClinGen allele CA16033759.